The following is an entry in ClinVar:

NM_003239.5(TGFB3):c.130A>T (p.Arg44Trp)

Gene: TGFB3 (transforming growth factor beta 3; minus strand). Cytogenetic location: 14q24.3.
Variant type: single nucleotide variant.
Coding change: c.130A>T on transcript NM_003239.5 (MANE Select); coding-DNA position 130, A replaced by T.
Protein change: p.Arg44Trp; replaces arginine 44 with tryptophan.
Molecular consequence: missense variant.
Genome position (GRCh38, 1-based): chr14:75,980,764, T>A on the plus strand (A>T on the coding strand, the complement: TGFB3 is on the minus strand). VCF-style: chr14-75980764-T-A. GRCh37 (hg19) VCF-style: chr14-76447107-T-A.
Other names: c.130A>T, p.Arg44Trp (NM_001329938.2, NM_001329939.2); short protein forms R44W.
Identifiers: ClinVar variation 1311618 (VCV001311618.2), dbSNP rs2140254560, ClinGen allele CA390471593.

ClinVar aggregate classification (germline): Uncertain significance (1 of 4 stars; one submission).

gnomAD v4.1: 1 of 1,614,142 alleles (0.000062%); no homozygotes.

Submission:

GeneDx
Classification: Uncertain significance. Last evaluated: 2020-01-02. Review status: criteria provided, single submitter. Criteria: GeneDx Variant Classification Process June 2021. Collection method: clinical testing. Allele origin: germline. Affected: yes.
Comment: Has not been previously published as pathogenic or benign to our knowledge; Not observed in large population cohorts (Lek et al., 2016); In silico analysis, which includes protein predictors and evolutionary conservation, supports a deleterious effect